The following is an entry in ClinVar:

NM_000052.7(ATP7A):c.2269G>A (p.Ala757Thr)

Gene: ATP7A (ATPase copper transporting alpha; plus strand). Cytogenetic location: Xq21.1.
Variant type: single nucleotide variant.
Coding change: c.2269G>A on transcript NM_000052.7 (MANE Select); coding-DNA position 2269, G replaced by A.
Protein change: p.Ala757Thr; replaces alanine 757 with threonine.
Molecular consequence: missense variant. On other transcripts: intron variant (1).
Genome position (GRCh38, 1-based): chrX:78,012,975, G>A. VCF-style: chrX-78012975-G-A. GRCh37 (hg19) VCF-style: chrX-77268472-G-A.
Other names: c.2172+1301G>A (NM_001282224.2); short protein forms A757T.
Identifiers: ClinVar variation 2576760 (VCV002576760.1), dbSNP rs2522354701, ClinGen allele CA413598960.

ClinVar aggregate classification (germline): Uncertain significance (1 of 4 stars; one submission).

Submission:

GeneDx
Classification: Uncertain significance. Last evaluated: 2023-02-21. Review status: criteria provided, single submitter. Criteria: GeneDx Variant Classification Process June 2021. Collection method: clinical testing. Allele origin: germline. Affected: yes.
Comment: Not observed at significant frequency in large population cohorts (gnomAD); In silico analysis supports that this missense variant has a deleterious effect on protein structure/function; Has not been previously published as pathogenic or benign to our knowledge